The following is an entry in ClinVar:

ClinVar aggregate classification (germline): Likely benign (0 of 4 stars; one submission).

Conditions:
POLR3C-related disorder. Also called: POLR3C-related condition.

Allele frequency attached by ClinVar (database versions not stated): gnomAD exomes 0.00007; ExAC 0.00033; gnomAD 0.00076; TOPMed 0.00082; ESP Exome Variant Server 0.00085; 1000 Genomes Project 0.00140; 1000 Genomes Project 30x 0.00172.

Submission:

PreventionGenetics, part of Exact Sciences
Classification: Likely benign for POLR3C-related condition. Last evaluated: 2023-09-21. Review status: no assertion criteria provided. Collection method: clinical testing. Allele origin: germline.
Comment: This variant is classified as likely benign based on ACMG/AMP sequence variant interpretation guidelines (Richards et al. 2015 PMID: 25741868, with internal and published modifications).

NM_006468.8(POLR3C):c.551A>G (p.Glu184Gly)

Gene: POLR3C (RNA polymerase III subunit C; plus strand). Cytogenetic location: 1q21.1.
Variant type: single nucleotide variant.
Coding change: c.551A>G on transcript NM_006468.8 (MANE Select); coding-DNA position 551, A replaced by G.
Protein change: p.Glu184Gly; replaces glutamic acid 184 with glycine.
Molecular consequence: missense variant.
Genome position (GRCh38, 1-based): chr1:145,826,967, A>G. VCF-style: chr1-145826967-A-G. GRCh37 (hg19) VCF-style: chr1-145608146-T-C.
Other names: c.590A>G, p.Glu197Gly (NM_001303456.1); short protein forms E184G, E197G.
Identifiers: ClinVar variation 3054684 (VCV003054684.2), dbSNP rs144290770, ClinGen allele CA1059078.
Genomic context (GRCh38, chr1:145,826,967, plus strand): 5'-CTACCACTGAGAATTCAGACCCTGGGCCACCACCACCTGCCCCCACACTTGTCATTAATG[A>G]AAAGGACATGTACCTGGTTCCTAAACTCAGCTTGATAGGTAAGGAATTTTAACCCCTGGA-3'
Protein context (NP_006459.3, residues 174-194): PPPAPTLVIN[Glu184Gly]KDMYLVPKLS